The following is an entry in ClinVar:

NM_006846.4(SPINK5):c.891C>T (p.Cys297=)

Gene: SPINK5 (serine peptidase inhibitor Kazal type 5; plus strand). Cytogenetic location: 5q32.
Variant type: single nucleotide variant.
Coding change: c.891C>T on transcript NM_006846.4 (MANE Select); coding-DNA position 891, C replaced by T.
Protein change: p.Cys297=; no amino-acid change (cysteine 297 retained).
Molecular consequence: synonymous variant.
Genome position (GRCh38, 1-based): chr5:148,097,875, C>T. VCF-style: chr5-148097875-C-T. GRCh37 (hg19) VCF-style: chr5-147477438-C-T.
Other names: c.891C>T, p.Cys297= (NM_001127698.2, NM_001127699.2).
Identifiers: ClinVar variation 374066 (VCV000374066.26), dbSNP rs752941297, ClinGen allele CA3495406.

ClinVar aggregate classification (germline): Pathogenic/Likely pathogenic. Review status: criteria provided, multiple submitters, no conflicts (2 of 4 stars). 13 submissions from 12 submitters: Pathogenic (11); Likely pathogenic (2). Last evaluated 2026-02-10.

Conditions:
SPINK5-related disorder. Also called: SPINK5-related condition.
Netherton syndrome (NETH). Also called: ERYTHRODERMA, ICHTHYOSIFORM, WITH HYPOTRICHOSIS AND HYPER-IgE; COMEL-NETHERTON SYNDROME; NETHERTON DISEASE. Identifiers: Orphanet 634, MedGen C5574950, MONDO:0009735, OMIM 256500.
Increased circulating IgE concentration. Also called: Increased IgE level; Ige, elevated level of. Identifiers: MedGen C0236175, HP:0003212.
Erythroderma. Also called: Exfoliative dermatitis. Identifiers: MedGen C0011606, MONDO:0043233, HP:0001019.
Ichthyosis linearis circumflexa. Identifiers: MedGen C0265962, MONDO:0043106, HP:0025810.

Allele frequency attached by ClinVar (database versions not stated): ExAC 0.00002; gnomAD exomes 0.00002 and 0.00005; gnomAD 0.00004; TOPMed 0.00004.
gnomAD v4.1: 82 of 1,607,820 alleles (0.0051%); highest among the groups gnomAD compares: Non-Finnish European, 0.0069%; no homozygotes.

Submissions (13):

PreventionGenetics, part of Exact Sciences
Classification: Pathogenic for SPINK5-related condition. Last evaluated: 2026-02-10. Review status: criteria provided, single submitter. Criteria: ACMG Guidelines, 2015. Collection method: clinical testing. Allele origin: germline.
Comment: The SPINK5 c.891C>T variant is not predicted to result in an amino acid change (p.=). This variant has been reported in the compound heterozygous state in individuals with Netherton syndrome (Fortugno et al. 2012. PubMed ID: 22377713; Lacroix et al. 2012. PubMed ID: 22089833). Of note, this variant has been reported in a high number of individuals of Greek ancestry, suggesting it may be a founder variant in this population (Lacroix et al. 2012. PubMed ID: 22089833). Functional testing of patient cells showed that this variant results in skipping of the entire exon 11, leading to a premature termination codon in exon 12 (Fortugno et al. 2012. PubMed ID: 22377713; Lacroix et al. 2012. PubMed ID: 22089833). This variant is reported in 0.0055% of alleles in individuals of European (Non-Finnish) descent in gnomAD. This variant is interpreted as pathogenic.

Labcorp Genetics (formerly Invitae), Labcorp
Classification: Pathogenic for Ichthyosis linearis circumflexa. Last evaluated: 2025-11-25. Review status: criteria provided, single submitter. Criteria: Invitae Variant Classification Sherloc (09022015). Collection method: clinical testing. Allele origin: germline.
Comment: This sequence change affects codon 297 of the SPINK5 mRNA. It is a 'silent' change, meaning that it does not change the encoded amino acid sequence of the SPINK5 protein. RNA analysis indicates that this variant induces altered splicing and may result in an absent or altered protein product. This variant is present in population databases (rs752941297, gnomAD 0.006%). This variant has been observed in individuals with Netherton syndrome (PMID: 22089833, 22377713). It is commonly reported in individuals of Greek ancestry (PMID: 22089833). ClinVar contains an entry for this variant (Variation ID: 374066). Studies have shown that this variant results in skipping of exon 11, and produces a non-functional protein and/or introduces a premature termination codon (PMID: 22089833, 22377713, 25665175). For these reasons, this variant has been classified as Pathogenic.

Institute of Human Genetics, University of Leipzig Medical Center
Classification: Pathogenic for Netherton syndrome. Last evaluated: 2025-05-23. Review status: criteria provided, single submitter. Criteria: ACMG Guidelines, 2015. Collection method: clinical testing. Allele origin: unknown. Inheritance: Autosomal recessive inheritance. Affected: yes.
Comment: Criteria applied: PS3,PM3_STR,PM2_SUP,PP3; Identified as compund heterozygous with NM_006846.4:c.1320C>A

3billion
Classification: Pathogenic for Netherton syndrome. Last evaluated: 2025-03-14. Review status: criteria provided, single submitter. Criteria: ACMG Guidelines, 2015. Collection method: clinical testing. Allele origin: germline. Affected: yes.

Blueprint Genetics
Classification: Pathogenic for SPINK5-related disorders. Last evaluated: 2024-11-26. Review status: criteria provided, single submitter. Criteria: ACMG Guidelines, 2015. Collection method: clinical testing. Allele origin: germline. Affected: yes. Observed: 5 variant alleles.

Revvity Omics, Revvity
Classification: Pathogenic for Netherton syndrome. Last evaluated: 2024-06-18. Review status: criteria provided, single submitter. Criteria: ACMG Guidelines, 2015. Collection method: clinical testing. Allele origin: germline.

Laboratory of Medical Genetics, National & Kapodistrian University of Athens
Classification: Pathogenic for Netherton syndrome. Last evaluated: 2024-05-16. Review status: criteria provided, single submitter. Criteria: ACMG Guidelines, 2015. Collection method: clinical testing. Allele origin: germline. Affected: yes.
Comment: PVS1_strong, PS3, PS4_mod, PM2- The variant is expected to result in an absent or disrupted protein product. It has been reported in ClinVar as Pathogenic by other laboratories (Variation ID: 374066). Low frequency in gnomAD population databases.

Institute of Human Genetics, Clinical Exome/Genome Diagnostics Group, University Hospital Bonn
Classification: Pathogenic for Netherton syndrome. Last evaluated: 2024-04-09. Review status: criteria provided, single submitter. Criteria: ACMG Guidelines, 2015. Collection method: clinical testing. Allele origin: paternal. Affected: yes.

GeneDx
Classification: Pathogenic. Last evaluated: 2023-11-29. Review status: criteria provided, single submitter. Criteria: GeneDx Variant Classification Process June 2021. Collection method: clinical testing. Allele origin: germline. Affected: yes.
Comment: Variant demonstrated to result in abnormal splicing leading to protein truncation in a gene for which loss of function is a known mechanism of disease (PMID: 22377713, 22089833, 25665175); Possible founder variant commonly reported in individuals of Greek ancestry (PMID: 22089833); This variant is associated with the following publications: (PMID: 34426522, 31589614, 34543653, 33534181, 26865388, 32767583, 28289593, 27905021, 25665175, 22089833, 22377713, 33890311, 29159247, 37834063, 28914264)

Clinical Genetics Laboratory, Skane University Hospital Lund
Classification: Pathogenic. Last evaluated: 2023-11-23. Review status: criteria provided, single submitter. Criteria: ACMG Guidelines, 2015. Collection method: clinical testing. Allele origin: germline. Affected: yes.

Institute of Medical Genetics and Applied Genomics, University Hospital Tübingen
Classification: Pathogenic. Last evaluated: 2021-06-17. Review status: criteria provided, single submitter. Criteria: ACMG Guidelines, 2015. Collection method: clinical testing. Allele origin: germline. Inheritance: Autosomal recessive inheritance. Affected: yes.

Centre for Mendelian Genomics, University Medical Centre Ljubljana
Classification: Likely pathogenic for Netherton syndrome. Last evaluated: 2016-01-01. Review status: criteria provided, single submitter. Criteria: ACMG Guidelines, 2015. Collection method: clinical testing. Allele origin: unknown. Affected: yes.
Comment: This variant was classified as: Likely pathogenic.

Centre for Mendelian Genomics, University Medical Centre Ljubljana
Classification: Likely pathogenic for Erythroderma; Increased circulating IgE concentration. Last evaluated: 2015-07-13. Review status: criteria provided, single submitter. Criteria: ACMG Guidelines, 2015. Collection method: clinical testing. Allele origin: unknown. Affected: yes.

Literature cited by the submitters: PubMed 22089833 (cited by Labcorp Genetics (formerly Invitae), Labcorp and 3billion); PubMed 22377713 (cited by Labcorp Genetics (formerly Invitae), Labcorp and 3billion); PubMed 25665175 (cited by Labcorp Genetics (formerly Invitae), Labcorp).